The following is an entry in ClinVar:

NM_001367233.3(HEPH):c.2261G>A (p.Arg754Gln)

Gene: HEPH (hephaestin; plus strand). Cytogenetic location: Xq12.
Variant type: single nucleotide variant.
Coding change: c.2261G>A on transcript NM_001367233.3 (MANE Select); coding-DNA position 2261, G replaced by A.
Protein change: p.Arg754Gln; replaces arginine 754 with glutamine.
Molecular consequence: missense variant. On other transcripts: non-coding transcript variant (3).
Genome position (GRCh38, 1-based): chrX:66,203,547, G>A. VCF-style: chrX-66203547-G-A. GRCh37 (hg19) VCF-style: chrX-65423389-G-A.
Other names: c.2261G>A, p.Arg754Gln (NM_001130860.6, NM_001367232.3, NM_001367234.3 and 3 more transcripts); c.1685G>A, p.Arg562Gln (NM_001282141.3, NM_001367243.3); c.2255G>A, p.Arg752Gln (NM_001367236.3); c.2048G>A, p.Arg683Gln (NM_001367238.3, NM_001367239.3); c.1460G>A, p.Arg487Gln (NM_001367242.2, NM_014799.4); short protein forms R487Q, R562Q, R683Q, R752Q, R754Q.
Identifiers: ClinVar variation 3025742 (VCV003025742.22), dbSNP rs762431872, ClinGen allele CA10435599.

ClinVar aggregate classification (germline): Likely benign (1 of 4 stars; one submission).

Allele frequency attached by ClinVar (database versions not stated): TOPMed 0.00001; gnomAD 0.00002; gnomAD exomes 0.00003; ExAC 0.00004.
gnomAD v4.1: 32 of 1,209,670 alleles (0.0026%); highest among the groups gnomAD compares: South Asian, 0.011%; no homozygotes.

Submission:

CeGaT Center for Human Genetics Tuebingen
Classification: Likely benign. Last evaluated: 2024-01-01. Review status: criteria provided, single submitter. Criteria: CeGaT Center For Human Genetics Tuebingen Variant Classification Criteria Version 2. Collection method: clinical testing. Allele origin: germline. Affected: yes. Observed: 1 variant allele.
Comment: HEPH: BS2